The following is an entry in ClinVar:

ClinVar aggregate classification (germline): Uncertain significance (1 of 4 stars; one submission).

Conditions:
Cystic fibrosis (CF). Also called: MUCOVISCIDOSIS. Identifiers: Orphanet 586, MedGen C0010674, MONDO:0009061, OMIM 219700. Disease mechanism: loss of function.

Submission:

Ambry Genetics
Classification: Uncertain significance for Cystic fibrosis. Last evaluated: 2024-09-02. Review status: criteria provided, single submitter. Criteria: Ambry Variant Classification Scheme 2023. Collection method: clinical testing. Allele origin: germline.
Comment: The p.T1121I variant (also known as c.3362C>T), located in coding exon 20 of the CFTR gene, results from a C to T substitution at nucleotide position 3362. The threonine at codon 1121 is replaced by isoleucine, an amino acid with similar properties. This amino acid position is conserved. In addition, this alteration is predicted to be deleterious by in silico analysis. Based on the available evidence, the clinical significance of this variant remains unclear.

NM_000492.4(CFTR):c.3362C>T (p.Thr1121Ile)

Genes: CFTR (CF transmembrane conductance regulator; plus strand), CFTR-AS2 (CFTR antisense RNA 2; minus strand), LOC111674472 (DNase I hypersensitive sites in introns 16 and 17a of CFTR; plus strand). Cytogenetic location: 7q31.2.
Variant type: single nucleotide variant.
Coding change: c.3362C>T on transcript NM_000492.4 (MANE Select); coding-DNA position 3362, C replaced by T.
Protein change: p.Thr1121Ile; replaces threonine 1121 with isoleucine.
Molecular consequence: missense variant.
Genome position (GRCh38, 1-based): chr7:117,611,803, C>T. VCF-style: chr7-117611803-C-T. GRCh37 (hg19) VCF-style: chr7-117251857-C-T.
Other names: short protein forms T1121I.
Identifiers: ClinVar variation 3491595 (VCV003491595.1).
Genomic context (GRCh38, chr7:117,611,803, plus strand): 5'-TGAGAATAGAAATGATTTTTGTCATCTTCTTCATTGCTGTTACCTTCATTTCCATTTTAA[C>T]AACAGGTACTATGAACTCATTAACTTTAGCTAAGCATTTAAGTAAAAAATTTTCAATGAA-3'
Protein context (NP_000483.3, residues 1111-1131): FIAVTFISIL[Thr1121Ile]TGEGEGRVGI